The following is an entry in ClinVar:

NM_001378454.1(ALMS1):c.1300G>A (p.Val434Ile)

Gene: ALMS1 (ALMS1 centrosome and basal body associated protein; plus strand). Cytogenetic location: 2p13.1.
Variant type: single nucleotide variant.
Coding change: c.1300G>A on transcript NM_001378454.1 (MANE Select); coding-DNA position 1300, G replaced by A.
Protein change: p.Val434Ile; replaces valine 434 with isoleucine.
Molecular consequence: missense variant.
Genome position (GRCh38, 1-based): chr2:73,426,515, G>A. VCF-style: chr2-73426515-G-A. GRCh37 (hg19) VCF-style: chr2-73653643-G-A.
Other names: c.1303G>A, p.Val435Ile (NM_015120.4); short protein forms V434I, V435I.
Identifiers: ClinVar variation 5017862 (VCV005017862.1).

ClinVar aggregate classification (germline): Uncertain significance (1 of 4 stars; one submission).

Submission:

GeneDx
Classification: Uncertain significance. Last evaluated: 2026-04-03. Review status: criteria provided, single submitter. Criteria: GeneDx Variant Classification Process June 2021. Collection method: clinical testing. Allele origin: germline.
Comment: Not observed at significant frequency in large population cohorts (gnomAD); In silico analysis suggests that this missense variant does not alter protein structure/function; Has not been previously published as pathogenic or benign to our knowledge